The following is an entry in ClinVar:

NM_000095.3(COMP):c.1091A>C (p.Gln364Pro)

Gene: COMP (cartilage oligomeric matrix protein; minus strand). Cytogenetic location: 19p13.11.
Variant type: single nucleotide variant.
Coding change: c.1091A>C on transcript NM_000095.3 (MANE Select); coding-DNA position 1091, A replaced by C.
Protein change: p.Gln364Pro; replaces glutamine 364 with proline.
Molecular consequence: missense variant.
Genome position (GRCh38, 1-based): chr19:18,787,535, T>G on the plus strand (A>C on the coding strand, the complement: COMP is on the minus strand). VCF-style: chr19-18787535-T-G. GRCh37 (hg19) VCF-style: chr19-18898344-T-G.
Other names: short protein forms Q364P.
Identifiers: ClinVar variation 4741205 (VCV004741205.1).

ClinVar aggregate classification (germline): Uncertain significance (1 of 4 stars; one submission).

Submission:

Labcorp Genetics (formerly Invitae), Labcorp
Classification: Uncertain significance. Last evaluated: 2025-06-15. Review status: criteria provided, single submitter. Criteria: Invitae Variant Classification Sherloc (09022015). Collection method: clinical testing. Allele origin: germline.
Comment: This sequence change replaces glutamine, which is neutral and polar, with proline, which is neutral and non-polar, at codon 364 of the COMP protein (p.Gln364Pro). This variant is not present in population databases (gnomAD no frequency). This variant has not been reported in the literature in individuals affected with COMP-related conditions. Invitae Evidence Modeling of protein sequence and biophysical properties (such as structural, functional, and spatial information, amino acid conservation, physicochemical variation, residue mobility, and thermodynamic stability) indicates that this missense variant is not expected to disrupt COMP protein function with a negative predictive value of 80%. In summary, the available evidence is currently insufficient to determine the role of this variant in disease. Therefore, it has been classified as a Variant of Uncertain Significance.